The following is an entry in ClinVar:

ClinVar aggregate classification (germline): Uncertain significance. Review status: criteria provided, multiple submitters, no conflicts (2 of 4 stars). 3 submissions from 3 submitters: Uncertain significance (3). Last evaluated 2025-08-11.

Conditions:
Parkinson disease 22, autosomal dominant (PARK22). Identifiers: MedGen C4225238, MONDO:0014742, OMIM 616710.

Allele frequency attached by ClinVar (database versions not stated): gnomAD exomes 0.00012; gnomAD 0.00014 and 0.00015; ESP Exome Variant Server 0.00015; ExAC 0.00016; 1000 Genomes Project 0.00020; TOPMed 0.00022; 1000 Genomes Project 30x 0.00031.
gnomAD v4.1: 149 of 1,610,074 alleles (0.0093%); highest among the groups gnomAD compares: Admixed American, 0.025%; no homozygotes.

Submissions (3):

Labcorp Genetics (formerly Invitae), Labcorp
Classification: Uncertain significance. Last evaluated: 2025-08-11. Review status: criteria provided, single submitter. Criteria: Invitae Variant Classification Sherloc (09022015). Collection method: clinical testing. Allele origin: germline.
Comment: This sequence change replaces proline, which is neutral and non-polar, with leucine, which is neutral and non-polar, at codon 34 of the CHCHD2 protein (p.Pro34Leu). This variant is present in population databases (rs371198317, gnomAD 0.02%). This missense change has been observed in individual(s) with Parkinson disease (PMID: 26067110, 26561290). ClinVar contains an entry for this variant (Variation ID: 948138). An algorithm developed to predict the effect of missense changes on protein structure and function outputs the following: PolyPhen-2: "Not Available". The leucine amino acid residue is found in multiple mammalian species, which suggests that this missense change does not adversely affect protein function. In summary, the available evidence is currently insufficient to determine the role of this variant in disease. Therefore, it has been classified as a Variant of Uncertain Significance.

GeneDx
Classification: Uncertain significance. Last evaluated: 2024-10-04. Review status: criteria provided, single submitter. Criteria: GeneDx Variant Classification Process June 2021. Collection method: clinical testing. Allele origin: germline. Affected: yes.
Comment: In silico analysis supports that this missense variant has a deleterious effect on protein structure/function; This variant is associated with the following publications: (PMID: 37396535, 36061599, 36158221, 30791515, 35328025, 30496485, 33967741, 26561295, 27118487, 31526091, 38453793, 37332644, 35791387, 33616931, 26067110, 28697279, 27538669, 27269965, 26561290, 30338296, 35893043)

Revvity Omics, Revvity
Classification: Uncertain significance for Parkinson disease 22, autosomal dominant. Last evaluated: 2024-03-13. Review status: criteria provided, single submitter. Criteria: ACMG Guidelines, 2015. Collection method: clinical testing. Allele origin: germline.

Literature cited by the submitters: PubMed 26067110 (cited by Labcorp Genetics (formerly Invitae), Labcorp); PubMed 26561290 (cited by Labcorp Genetics (formerly Invitae), Labcorp).

NM_016139.4(CHCHD2):c.101C>T (p.Pro34Leu)

Gene: CHCHD2 (coiled-coil-helix-coiled-coil-helix domain containing 2; minus strand). Cytogenetic location: 7p11.2.
Variant type: single nucleotide variant.
Coding change: c.101C>T on transcript NM_016139.4 (MANE Select); coding-DNA position 101, C replaced by T.
Protein change: p.Pro34Leu; replaces proline 34 with leucine.
Molecular consequence: missense variant.
Genome position (GRCh38, 1-based): chr7:56,104,425, G>A on the plus strand (C>T on the coding strand, the complement: CHCHD2 is on the minus strand). VCF-style: chr7-56104425-G-A. GRCh37 (hg19) VCF-style: chr7-56172118-G-A.
Other names: c.101C>T, p.Pro34Leu (NM_001320327.2); c.101C>T (NM_016139.3); short protein forms P34L.
Identifiers: ClinVar variation 948138 (VCV000948138.11), dbSNP rs371198317, ClinGen allele CA4270578.